The following is an entry in ClinVar:

NM_002253.4(KDR):c.2868T>G (p.Pro956=)

Gene: KDR (kinase insert domain receptor; minus strand). Cytogenetic location: 4q12.
Variant type: single nucleotide variant.
Coding change: c.2868T>G on transcript NM_002253.4 (MANE Select); coding-DNA position 2868, T replaced by G.
Protein change: p.Pro956=; no amino-acid change (proline 956 retained).
Molecular consequence: synonymous variant.
Genome position (GRCh38, 1-based): chr4:55,094,905, A>C on the plus strand (T>G on the coding strand, the complement: KDR is on the minus strand). VCF-style: chr4-55094905-A-C. GRCh37 (hg19) VCF-style: chr4-55961072-A-C.
Identifiers: ClinVar variation 3058767 (VCV003058767.2), dbSNP rs759473733, ClinGen allele CA2924280.
Genomic context (GRCh38, chr4:55,094,905, plus strand): 5'-TCCAGAGCTGGCTGAGCTCTGGCTACTGGTGATGCTGTCCAAGCGCCGTTTCAGATCCAC[A>C]GGGATTGCTCCAACGTAGTCTTTCCCTTGACGGAATCGTGCCCCTTTGGTCTATAAAAAA-3'
Protein context (NP_002244.1, residues 946-966): RQGKDYVGAI[Pro956=]VDLKRRLDSI

ClinVar aggregate classification (germline): Likely benign (0 of 4 stars; one submission).

Conditions:
KDR-related disorder. Also called: KDR-related condition.

Allele frequency attached by ClinVar (database versions not stated): ExAC 0.00001; gnomAD exomes 0.00001.
gnomAD v4.1: 20 of 1,613,858 alleles (0.0012%); highest among the groups gnomAD compares: East Asian, 0.02%; no homozygotes.

Submission:

PreventionGenetics, part of Exact Sciences
Classification: Likely benign for KDR-related condition. Last evaluated: 2019-03-20. Review status: no assertion criteria provided. Collection method: clinical testing. Allele origin: germline.
Comment: This variant is classified as likely benign based on ACMG/AMP sequence variant interpretation guidelines (Richards et al. 2015 PMID: 25741868, with internal and published modifications).